The following is an entry in ClinVar:

ClinVar aggregate classification (germline): Uncertain significance (1 of 4 stars; one submission).

Conditions:
Epileptic encephalopathy. Identifiers: MedGen C0543888, HP:0200134.

Allele frequency attached by ClinVar (database versions not stated): gnomAD exomes 0.00001.
gnomAD v4.1: 4 of 1,605,090 alleles (0.00025%); highest among the groups gnomAD compares: Admixed American, 0.0051%; no homozygotes.

Submission:

Labcorp Genetics (formerly Invitae), Labcorp
Classification: Uncertain significance for Epileptic encephalopathy. Last evaluated: 2025-10-13. Review status: criteria provided, single submitter. Criteria: Invitae Variant Classification Sherloc (09022015). Collection method: clinical testing. Allele origin: germline.
Comment: This sequence change replaces leucine, which is neutral and non-polar, with methionine, which is neutral and non-polar, at codon 2246 of the FASN protein (p.Leu2246Met). This variant is present in population databases (no rsID available, gnomAD 0.006%). This variant has not been reported in the literature in individuals affected with FASN-related conditions. ClinVar contains an entry for this variant (Variation ID: 1421551). An algorithm developed to predict the effect of missense changes on protein structure and function (PolyPhen-2) suggests that this variant is likely to be disruptive. In summary, the available evidence is currently insufficient to determine the role of this variant in disease. Therefore, it has been classified as a Variant of Uncertain Significance.

NM_004104.5(FASN):c.6736C>A (p.Leu2246Met)

Gene: FASN (fatty acid synthase; minus strand). Cytogenetic location: 17q25.3.
Variant type: single nucleotide variant.
Coding change: c.6736C>A on transcript NM_004104.5 (MANE Select); coding-DNA position 6736, C replaced by A.
Protein change: p.Leu2246Met; replaces leucine 2246 with methionine.
Molecular consequence: missense variant.
Genome position (GRCh38, 1-based): chr17:82,080,782, G>T on the plus strand (C>A on the coding strand, the complement: FASN is on the minus strand). VCF-style: chr17-82080782-G-T. GRCh37 (hg19) VCF-style: chr17-80038658-G-T.
Other names: short protein forms L2246M.
Identifiers: ClinVar variation 1421551 (VCV001421551.8), dbSNP rs1434371690, ClinGen allele CA401598659.
Genomic context (GRCh38, chr17:82,080,782, plus strand): 5'-TGCTGAGCCGGGAGGCCAGGCTGTGGAACACGGTGGTGGAGCCCTCGATTGGGTGCACCA[G>T]GAACAGGGGCCGCTCCGAGCTCTGCACGGAGTTGAGCCGCATCAGGGTGGGGCCCTCCGG-3'
Protein context (NP_004095.4, residues 2236-2256): SVQSSERPLF[Leu2246Met]VHPIEGSTTV